The following is an entry in ClinVar:

NM_002230.4(JUP):c.504G>C (p.Gln168His)

Gene: JUP (junction plakoglobin; minus strand). Cytogenetic location: 17q21.2.
Variant type: single nucleotide variant.
Coding change: c.504G>C on transcript NM_002230.4 (MANE Select); coding-DNA position 504, G replaced by C.
Protein change: p.Gln168His; replaces glutamine 168 with histidine.
Molecular consequence: missense variant.
Genome position (GRCh38, 1-based): chr17:41,769,172, C>G on the plus strand (G>C on the coding strand, the complement: JUP is on the minus strand). VCF-style: chr17-41769172-C-G. GRCh37 (hg19) VCF-style: chr17-39925424-C-G.
Other names: c.504G>C, p.Gln168His (NM_001352773.2, NM_001352774.2, NM_001352775.2 and 3 more transcripts); short protein forms Q168H.
Identifiers: ClinVar variation 3750544 (VCV003750544.2).
Genomic context (GRCh38, chr17:41,769,172, plus strand): 5'-AGCGGCCACCAGCTGGGGCGAGCCCATCAGGGCCCGCCGCGACGCCTCCTTCTTCGACAG[C>G]TGGTTCACAATCATGGCCGCCTTGGTCACCACCACCTGGAGGGCAAAGGCAGGGGCGGGG-3'
Protein context (NP_002221.1, residues 158-178): VVTKAAMIVN[Gln168His]LSKKEASRRA

ClinVar aggregate classification (germline): Uncertain significance (1 of 4 stars; one submission).

Conditions:
Naxos disease (NXD). Also called: KERATOSIS PALMOPLANTARIS WITH ARRHYTHMOGENIC CARDIOMYOPATHY; MAL DE NAXOS; PALMOPLANTAR KERATODERMA WITH ARRHYTHMOGENIC RIGHT VENTRICULAR CARDIOMYOPATHY AND WOOLLY HAIR; WOOLLY HAIR, PALMOPLANTAR KERATODERMA, AND CARDIAC ABNORMALITIES; CARDIOMYOPATHY, ARRHYTHMOGENIC RIGHT VENTRICULAR, WITH SKIN, HAIR, AND NAIL ABNORMALITIES. Identifiers: Orphanet 34217, MedGen C1832600, MONDO:0011017, OMIM 601214.
Arrhythmogenic right ventricular dysplasia 12. Also called: ARRHYTHMOGENIC RIGHT VENTRICULAR DYSPLASIA, FAMILIAL, 12. Identifiers: MedGen C1969081, MONDO:0012684, OMIM 611528.

Submission:

Labcorp Genetics (formerly Invitae), Labcorp
Classification: Uncertain significance for Arrhythmogenic right ventricular dysplasia 12; Naxos disease. Last evaluated: 2024-04-27. Review status: criteria provided, single submitter. Criteria: Invitae Variant Classification Sherloc (09022015). Collection method: clinical testing. Allele origin: germline.
Comment: This sequence change replaces glutamine, which is neutral and polar, with histidine, which is basic and polar, at codon 168 of the JUP protein (p.Gln168His). This variant is not present in population databases (gnomAD no frequency). This variant has not been reported in the literature in individuals affected with JUP-related conditions. An algorithm developed to predict the effect of missense changes on protein structure and function (PolyPhen-2) suggests that this variant is likely to be disruptive. In summary, the available evidence is currently insufficient to determine the role of this variant in disease. Therefore, it has been classified as a Variant of Uncertain Significance.